The following is an entry in ClinVar:

NM_147127.5(EVC2):c.3240G>C (p.Lys1080Asn)

Gene: EVC2 (EvC ciliary complex subunit 2; minus strand). Cytogenetic location: 4p16.2.
Variant type: single nucleotide variant.
Coding change: c.3240G>C on transcript NM_147127.5 (MANE Select); coding-DNA position 3240, G replaced by C.
Protein change: p.Lys1080Asn; replaces lysine 1080 with asparagine.
Molecular consequence: missense variant.
Genome position (GRCh38, 1-based): chr4:5,576,272, C>G on the plus strand (G>C on the coding strand, the complement: EVC2 is on the minus strand). VCF-style: chr4-5576272-C-G. GRCh37 (hg19) VCF-style: chr4-5577999-C-G.
Other names: c.3000G>C, p.Lys1000Asn (NM_001166136.2); short protein forms K1000N, K1080N.
Identifiers: ClinVar variation 1981779 (VCV001981779.1), dbSNP rs779116122, ClinGen allele CA2834408.

ClinVar aggregate classification (germline): Uncertain significance (1 of 4 stars; one submission).

Conditions:
Curry-Hall syndrome (WAD). Also called: WEYERS ACRODENTAL DYSOSTOSIS. Identifiers: Orphanet 952, MedGen C0457013, MONDO:0008673, OMIM 193530.
Ellis-van Creveld syndrome (EVC). Also called: Chondroectodermal dysplasia; MESOECTODERMAL DYSPLASIA; EVC-Related Ellis-van Creveld Syndrome; EVC2-Related Ellis-van Creveld Syndrome. Identifiers: Orphanet 289, MedGen C0013903, MONDO:0009162, OMIM 225500.

Allele frequency attached by ClinVar (database versions not stated): ExAC 0.00001.

Submission:

Labcorp Genetics (formerly Invitae), Labcorp
Classification: Uncertain significance for Curry-Hall syndrome; Ellis-van Creveld syndrome. Last evaluated: 2022-07-30. Review status: criteria provided, single submitter. Criteria: Invitae Variant Classification Sherloc (09022015). Collection method: clinical testing. Allele origin: germline.
Comment: This sequence change replaces lysine, which is basic and polar, with asparagine, which is neutral and polar, at codon 1080 of the EVC2 protein (p.Lys1080Asn). This variant is present in population databases (rs779116122, gnomAD 0.009%). This variant has not been reported in the literature in individuals affected with EVC2-related conditions. Algorithms developed to predict the effect of missense changes on protein structure and function (SIFT, PolyPhen-2, Align-GVGD) all suggest that this variant is likely to be tolerated. In summary, the available evidence is currently insufficient to determine the role of this variant in disease. Therefore, it has been classified as a Variant of Uncertain Significance.